The following is an entry in ClinVar:

ClinVar aggregate classification (germline): Likely benign (0 of 4 stars; one submission).

Conditions:
IQGAP3-related disorder. Also called: IQGAP3-related condition.

Allele frequency attached by ClinVar (database versions not stated): ExAC 0.00004; gnomAD 0.00018; TOPMed 0.00024; gnomAD exomes 0.00041.
gnomAD v4.1: 632 of 1,613,352 alleles (0.039%); highest among the groups gnomAD compares: Non-Finnish European, 0.05%; no homozygotes.

Submission:

PreventionGenetics, part of Exact Sciences
Classification: Likely benign for IQGAP3-related condition. Last evaluated: 2019-05-24. Review status: no assertion criteria provided. Collection method: clinical testing. Allele origin: germline.
Comment: This variant is classified as likely benign based on ACMG/AMP sequence variant interpretation guidelines (Richards et al. 2015 PMID: 25741868, with internal and published modifications).

NM_178229.5(IQGAP3):c.438-7T>C

Gene: IQGAP3 (IQ motif containing GTPase activating protein 3; minus strand). Cytogenetic location: 1q22.
Variant type: single nucleotide variant.
Coding change: c.438-7T>C on transcript NM_178229.5 (MANE Select); 7 bases into the intron before coding-DNA position 438, T replaced by C.
Molecular consequence: intron variant.
Genome position (GRCh38, 1-based): chr1:156,563,831, A>G on the plus strand (T>C on the coding strand, the complement: IQGAP3 is on the minus strand). VCF-style: chr1-156563831-A-G. GRCh37 (hg19) VCF-style: chr1-156533623-A-G.
Identifiers: ClinVar variation 3044170 (VCV003044170.2), dbSNP rs776156842, ClinGen allele CA1161971.